The following is an entry in ClinVar:

NM_138691.3(TMC1):c.154G>C (p.Asp52His)

Gene: TMC1 (transmembrane channel like 1; plus strand). Cytogenetic location: 9q21.13.
Variant type: single nucleotide variant.
Coding change: c.154G>C on transcript NM_138691.3 (MANE Select); coding-DNA position 154, G replaced by C.
Protein change: p.Asp52His; replaces aspartic acid 52 with histidine.
Molecular consequence: missense variant.
Genome position (GRCh38, 1-based): chr9:72,694,632, G>C. VCF-style: chr9-72694632-G-C. GRCh37 (hg19) VCF-style: chr9-75309548-G-C.
Other names: c.154G>C (NM_138691.2); short protein forms D52H.
Identifiers: ClinVar variation 3621086 (VCV003621086.3).

ClinVar aggregate classification (germline): Uncertain significance. Review status: criteria provided, multiple submitters, no conflicts (2 of 4 stars). 2 submissions from 2 submitters: Uncertain significance (2). Last evaluated 2025-11-24.

Conditions:
Inborn genetic diseases. Identifiers: MedGen C0950123, MeSH D030342.

Submissions (2):

Ambry Genetics
Classification: Uncertain significance for Inborn genetic diseases. Last evaluated: 2025-11-24. Review status: criteria provided, single submitter. Criteria: Ambry Variant Classification Scheme 2023. Collection method: clinical testing. Allele origin: germline.

Labcorp Genetics (formerly Invitae), Labcorp
Classification: Uncertain significance. Last evaluated: 2024-06-26. Review status: criteria provided, single submitter. Criteria: Invitae Variant Classification Sherloc (09022015). Collection method: clinical testing. Allele origin: germline.
Comment: This sequence change replaces aspartic acid, which is acidic and polar, with histidine, which is basic and polar, at codon 52 of the TMC1 protein (p.Asp52His). This variant is not present in population databases (gnomAD no frequency). This variant has not been reported in the literature in individuals affected with TMC1-related conditions. Advanced modeling of protein sequence and biophysical properties (such as structural, functional, and spatial information, amino acid conservation, physicochemical variation, residue mobility, and thermodynamic stability) performed at Invitae indicates that this missense variant is not expected to disrupt TMC1 protein function with a negative predictive value of 95%. In summary, the available evidence is currently insufficient to determine the role of this variant in disease. Therefore, it has been classified as a Variant of Uncertain Significance.